The following is an entry in ClinVar:

ClinVar aggregate classification (germline): Uncertain significance (1 of 4 stars; one submission).

Submission:

Ambry Genetics
Classification: Uncertain significance. Last evaluated: 2021-09-15. Review status: criteria provided, single submitter. Criteria: Ambry Variant Classification Scheme 2023. Collection method: clinical testing. Allele origin: germline.
Comment: The p.T1606S variant (also known as c.4817C>G), located in coding exon 4 of the ALPK2 gene, results from a C to G substitution at nucleotide position 4817. The threonine at codon 1606 is replaced by serine, an amino acid with similar properties. This amino acid position is conserved. In addition, this alteration is predicted to be tolerated by in silico analysis. Since supporting evidence is limited at this time, the clinical significance of this alteration remains unclear.

NM_052947.4(ALPK2):c.4817C>G (p.Thr1606Ser)

Genes: ALPK2 (alpha kinase 2; minus strand), LOC126862764 (BRD4-independent group 4 enhancer GRCh37_chr18:56202574-56203773; plus strand). Cytogenetic location: 18q21.31.
Variant type: single nucleotide variant.
Coding change: c.4817C>G on transcript NM_052947.4 (MANE Select); coding-DNA position 4817, C replaced by G.
Protein change: p.Thr1606Ser; replaces threonine 1606 with serine.
Molecular consequence: missense variant.
Genome position (GRCh38, 1-based): chr18:58,535,370, G>C on the plus strand (C>G on the coding strand, the complement: ALPK2 is on the minus strand). VCF-style: chr18-58535370-G-C. GRCh37 (hg19) VCF-style: chr18-56202602-G-C.
Other names: short protein forms T1606S.
Identifiers: ClinVar variation 1743319 (VCV001743319.2), dbSNP rs2518874006, ClinGen allele CA402559676.